The following is an entry in ClinVar:

ClinVar aggregate classification (germline): Likely benign (1 of 4 stars; one submission).

Allele frequency attached by ClinVar (database versions not stated): 1000 Genomes Project 30x 0.00125; gnomAD 0.00172; 1000 Genomes Project 0.00120.
gnomAD v4.1: 477 of 1,147,076 alleles (0.042%); highest among the groups gnomAD compares: African/African-American, 0.54%; 4 homozygotes.

Submission:

CeGaT Center for Human Genetics Tuebingen
Classification: Likely benign. Last evaluated: 2022-09-01. Review status: criteria provided, single submitter. Criteria: CeGaT Center For Human Genetics Tuebingen Variant Classification Criteria Version 2. Collection method: clinical testing. Allele origin: germline. Affected: yes. Observed: 1 variant allele.
Comment: SSC5D: BP4, BS2

NM_001144950.2(SSC5D):c.481C>T (p.Arg161Cys)

Gene: SSC5D (scavenger receptor cysteine rich family member with 5 domains; plus strand). Cytogenetic location: 19q13.42.
Variant type: single nucleotide variant.
Coding change: c.481C>T on transcript NM_001144950.2 (MANE Select); coding-DNA position 481, C replaced by T.
Protein change: p.Arg161Cys; replaces arginine 161 with cysteine.
Molecular consequence: missense variant.
Genome position (GRCh38, 1-based): chr19:55,490,303, C>T. VCF-style: chr19-55490303-C-T. GRCh37 (hg19) VCF-style: chr19-56001670-C-T.
Other names: c.481C>T, p.Arg161Cys (NM_001195267.2); short protein forms R161C.
Identifiers: ClinVar variation 2650523 (VCV002650523.24), dbSNP rs560855824, ClinGen allele CA9676352.